The following is an entry in ClinVar:

NM_021978.4(ST14):c.635-5C>T

Gene: ST14 (ST14 transmembrane serine protease matriptase; plus strand). Cytogenetic location: 11q24.3.
Variant type: single nucleotide variant.
Coding change: c.635-5C>T on transcript NM_021978.4 (MANE Select); 5 bases into the intron before coding-DNA position 635, C replaced by T.
Molecular consequence: intron variant.
Genome position (GRCh38, 1-based): chr11:130,190,449, C>T. VCF-style: chr11-130190449-C-T. GRCh37 (hg19) VCF-style: chr11-130060344-C-T.
Identifiers: ClinVar variation 1670712 (VCV001670712.31), dbSNP rs199819888, ClinGen allele CA6363701.

ClinVar aggregate classification (germline): Benign/Likely benign. Review status: criteria provided, multiple submitters, no conflicts (2 of 4 stars). 3 submissions from 3 submitters: Benign (1); Likely benign (2). Last evaluated 2026-02-01.

Allele frequency attached by ClinVar (database versions not stated): ESP Exome Variant Server 0.00031; 1000 Genomes Project 0.00080; 1000 Genomes Project 30x 0.00094.
gnomAD v4.1: 871 of 1,606,086 alleles (0.054%); highest among the groups gnomAD compares: East Asian, 0.23%; 2 homozygotes.

Submissions (3):

Labcorp Genetics (formerly Invitae), Labcorp
Classification: Benign. Last evaluated: 2026-02-01. Review status: criteria provided, single submitter. Criteria: Invitae Variant Classification Sherloc (09022015). Collection method: clinical testing. Allele origin: germline.

Blueprint Genetics
Classification: Likely benign. Last evaluated: 2024-11-25. Review status: criteria provided, single submitter. Criteria: ACMG Guidelines, 2015. Collection method: clinical testing. Allele origin: germline.

CeGaT Center for Human Genetics Tuebingen
Classification: Likely benign. Last evaluated: 2024-02-01. Review status: criteria provided, single submitter. Criteria: CeGaT Center For Human Genetics Tuebingen Variant Classification Criteria Version 2. Collection method: clinical testing. Allele origin: germline. Affected: yes. Observed: 1 variant allele.
Comment: ST14: BP4